The following is an entry in ClinVar:

ClinVar aggregate classification (germline): Uncertain significance (1 of 4 stars; one submission).

Submission:

Labcorp Genetics (formerly Invitae), Labcorp
Classification: Uncertain significance. Last evaluated: 2024-08-04. Review status: criteria provided, single submitter. Criteria: Invitae Variant Classification Sherloc (09022015). Collection method: clinical testing. Allele origin: germline.
Comment: This sequence change replaces serine, which is neutral and polar, with leucine, which is neutral and non-polar, at codon 288 of the SULF1 protein (p.Ser288Leu). This variant is not present in population databases (gnomAD no frequency). This variant has not been reported in the literature in individuals affected with SULF1-related conditions. An algorithm developed to predict the effect of missense changes on protein structure and function (PolyPhen-2) suggests that this variant is likely to be disruptive. In summary, the available evidence is currently insufficient to determine the role of this variant in disease. Therefore, it has been classified as a Variant of Uncertain Significance.

NM_001128205.2(SULF1):c.863C>T (p.Ser288Leu)

Gene: SULF1 (sulfatase 1; plus strand). Cytogenetic location: 8q13.3.
Variant type: single nucleotide variant.
Coding change: c.863C>T on transcript NM_001128205.2 (MANE Select); coding-DNA position 863, C replaced by T.
Protein change: p.Ser288Leu; replaces serine 288 with leucine.
Molecular consequence: missense variant. On other transcripts: 5 prime UTR variant (1), non-coding transcript variant (7).
Genome position (GRCh38, 1-based): chr8:69,600,731, C>T. VCF-style: chr8-69600731-C-T. GRCh37 (hg19) VCF-style: chr8-70512966-C-T.
Other names: c.863C>T, p.Ser288Leu (NM_001128204.2, NM_001128206.2, NM_001412828.1 and 18 more transcripts); c.677C>T, p.Ser226Leu (NM_001412841.1, NM_001412842.1); c.263C>T, p.Ser88Leu (NM_001412844.1, NM_001412845.1); c.-913C>T (NM_001412846.1); short protein forms S88L, S226L, S288L.
Identifiers: ClinVar variation 3661396 (VCV003661396.2).
Genomic context (GRCh38, chr8:69,600,731, plus strand): 5'-TGCCCATCCACATGGAATTTACAAACATTCTACAGCGCAAAAGGCTCCAGACTTTGATGT[C>T]AGTGGATGATTCTGTGGAGAGGGTAAGCACATGAACCTACCTCAGTGATAGTTTTTGGCC-3'
Protein context (NP_001121677.1, residues 278-298): LQRKRLQTLM[Ser288Leu]VDDSVERLYN